The following is an entry in ClinVar:

ClinVar aggregate classification (germline): Pathogenic (1 of 4 stars; one submission).

Conditions:
Infantile cerebellar-retinal degeneration (ICRD). Identifiers: Orphanet 313850, MedGen C3281192, MONDO:0013802, OMIM 614559.

Submission:

Institute of Human Genetics, University of Leipzig Medical Center
Classification: Pathogenic for Infantile cerebellar-retinal degeneration. Last evaluated: 2025-12-03. Review status: criteria provided, single submitter. Criteria: ACMG Guidelines, 2015. Collection method: clinical testing. Allele origin: paternal. Inheritance: Autosomal recessive inheritance. Affected: yes.
Comment: Criteria applied: PM2,PVS1

NM_001098.3(ACO2):c.1776_1783del (p.Cys592_Asp595delinsTer)

Genes: ACO2 (aconitase 2; plus strand), POLR3H (RNA polymerase III subunit H; minus strand). Cytogenetic location: 22q13.2.
Variant type: Deletion.
Coding change: c.1776_1783del on transcript NM_001098.3 (MANE Select); coding-DNA positions 1776 to 1783, 8 bases deleted (TACCACTG; older notation c.1776_1783delTACCACTG).
Protein change: p.Cys592_Asp595delinsTer.
Molecular consequence: nonsense. On other transcripts: 3 prime UTR variant (5).
Genome position (GRCh38, 1-based): chr22:41,526,276-41,526,283, TACCACTG deleted; deleting any 8 consecutive bases within chr22:41,526,274-41,526,283 gives the same sequence; the c. name uses the placement nearest the transcript's 3' end. VCF-style (leftmost placement, unchanged base first): chr22-41526273-GTGTACCAC-G. GRCh37 (hg19) VCF-style: chr22-41922277-GTGTACCAC-G.
Other names: c.*3002_*3009del (NM_001018050.4, NM_001018052.4, NM_001282884.2 and 2 more transcripts).
Identifiers: ClinVar variation 4683088 (VCV004683088.1).